The following is an entry in ClinVar:

ClinVar aggregate classification (germline): Uncertain significance (1 of 4 stars; one submission).

Submission:

Ambry Genetics
Classification: Uncertain significance. Last evaluated: 2025-01-25. Review status: criteria provided, single submitter. Criteria: Ambry Variant Classification Scheme 2023. Collection method: clinical testing. Allele origin: germline.
Comment: The p.G1054C variant (also known as c.3160G>T), located in coding exon 12 of the CDK12 gene, results from a G to T substitution at nucleotide position 3160. The glycine at codon 1054 is replaced by cysteine, an amino acid with highly dissimilar properties. This amino acid position is conserved. In addition, the in silico prediction for this alteration is inconclusive. Based on the available evidence, the clinical significance of this variant remains unclear.

NM_016507.4(CDK12):c.3160G>T (p.Gly1054Cys)

Gene: CDK12 (cyclin dependent kinase 12; plus strand). Cytogenetic location: 17q12.
Variant type: single nucleotide variant.
Coding change: c.3160G>T on transcript NM_016507.4 (MANE Select); coding-DNA position 3160, G replaced by T.
Protein change: p.Gly1054Cys; replaces glycine 1054 with cysteine.
Molecular consequence: missense variant.
Genome position (GRCh38, 1-based): chr17:39,524,738, G>T. VCF-style: chr17-39524738-G-T. GRCh37 (hg19) VCF-style: chr17-37680991-G-T.
Other names: c.3160G>T, p.Gly1054Cys (NM_015083.4); short protein forms G1054C.
Identifiers: ClinVar variation 3830560 (VCV003830560.1).